The following is an entry in ClinVar:

ClinVar aggregate classification (germline): Uncertain significance. Review status: criteria provided, multiple submitters, no conflicts (2 of 4 stars). 3 submissions from 3 submitters: Uncertain significance (2). 1 of the submissions does not count toward it. Last evaluated 2025-11-15.

Allele frequency attached by ClinVar (database versions not stated): TOPMed 0.00005; gnomAD exomes 0.00001 and 0.00002; ExAC 0.00001; gnomAD 0.00004.

Submissions (3):

Labcorp Genetics (formerly Invitae), Labcorp
Classification: Uncertain significance. Last evaluated: 2025-11-15. Review status: criteria provided, single submitter. Criteria: Invitae Variant Classification Sherloc (09022015). Collection method: clinical testing. Allele origin: germline.
Comment: This sequence change replaces alanine, which is neutral and non-polar, with threonine, which is neutral and polar, at codon 241 of the IGF1R protein (p.Ala241Thr). This variant is present in population databases (rs775630539, gnomAD 0.004%). This variant has not been reported in the literature in individuals affected with IGF1R-related conditions. ClinVar contains an entry for this variant (Variation ID: 1050288). Invitae Evidence Modeling of protein sequence and biophysical properties (such as structural, functional, and spatial information, amino acid conservation, physicochemical variation, residue mobility, and thermodynamic stability) indicates that this missense variant is not expected to disrupt IGF1R protein function with a negative predictive value of 80%. In summary, the available evidence is currently insufficient to determine the role of this variant in disease. Therefore, it has been classified as a Variant of Uncertain Significance.

Women's Health and Genetics/Laboratory Corporation of America, LabCorp
Classification: Uncertain significance. Last evaluated: 2023-12-21. Review status: criteria provided, single submitter. Criteria: LabCorp Variant Classification Summary - May 2015. Collection method: clinical testing. Allele origin: germline.
Comment: Variant summary: IGF1R c.721G>A (p.Ala241Thr) results in a non-conservative amino acid change located in the Furin-like cysteine-rich domain (IPR006211) of the encoded protein sequence. Four of five in-silico tools predict a benign effect of the variant on protein function. The variant allele was found at a frequency of 8e-06 in 250166 control chromosomes. The available data on variant occurrences in the general population are insufficient to allow any conclusion about variant significance. To our knowledge, no occurrence of c.721G>A in individuals affected with Growth Delay Due To Insulin-Like Growth Factor I Resistance and no experimental evidence demonstrating its impact on protein function have been reported. No submitters have cited clinical-significance assessments for this variant to ClinVar after 2014. Based on the evidence outlined above, the variant was classified as uncertain significance.

Department of Pathology and Laboratory Medicine, Sinai Health System
Classification: Uncertain significance. Review status: no assertion criteria provided. Collection method: clinical testing. Allele origin: unknown. Affected: yes. Study: The Canadian Open Genetics Repository (COGR). Not counted in ClinVar's aggregate classification.
Comment: The IGF1R p.Ala241Thr variant was not identified in the literature nor was it identified in ClinVar, Cosmic or LOVD 3.0. The variant was identified in dbSNP (ID: rs775630539) and was found in control databases in 2 of 245118 chromosomes at a frequency of 0.000008 (Genome Aggregation Database Feb 27, 2017). The variant was observed in the following populations: African in 1 of 15208 chromosomes (freq: 0.000066) and European (Non-Finnish) in 1 of 111292 chromosomes (freq: 0.000009), while the variant was not observed in the Ashkenazi Jewish, East Asian, European (Finnish), Latino, South Asian and Other populations. The variant occurs outside of the splicing consensus sequence and in silico or computational prediction software programs (SpliceSiteFinder, MaxEntScan, NNSPLICE, GeneSplicer) do not predict a difference in splicing. The p.Ala241 residue is not conserved in mammals and four out of five computational analyses (SIFT, AlignGVGD, BLOSUM, MutationTaster) do not suggest a high likelihood of impact to the protein; however, this information is not predictive enough to rule out pathogenicity. In summary, based on the above information the clinical significance of this variant cannot be determined with certainty at this time. This variant is classified as a variant of uncertain significance.

NM_000875.5(IGF1R):c.721G>A (p.Ala241Thr)

Gene: IGF1R (insulin like growth factor 1 receptor; plus strand). Cytogenetic location: 15q26.3.
Variant type: single nucleotide variant.
Coding change: c.721G>A on transcript NM_000875.5 (MANE Select); coding-DNA position 721, G replaced by A.
Protein change: p.Ala241Thr; replaces alanine 241 with threonine.
Molecular consequence: missense variant.
Genome position (GRCh38, 1-based): chr15:98,891,405, G>A. VCF-style: chr15-98891405-G-A. GRCh37 (hg19) VCF-style: chr15-99434634-G-A.
Other names: c.721G>A, p.Ala241Thr (NM_001291858.2); short protein forms A241T.
Identifiers: ClinVar variation 1050288 (VCV001050288.5), dbSNP rs775630539, ClinGen allele CA7751879.